The following is an entry in ClinVar:

ClinVar aggregate classification (germline): Likely benign. Review status: criteria provided, multiple submitters, no conflicts (2 of 4 stars). 2 submissions from 2 submitters: Likely benign (2). Last evaluated 2025-01-13.

Conditions:
Primary ciliary dyskinesia. Also called: Ciliary dyskinesia. Identifiers: Orphanet 244, MedGen C0008780, MONDO:0016575, HP:0012265.

Allele frequency attached by ClinVar (database versions not stated): gnomAD 0.00001; ExAC 0.00002; gnomAD exomes 0.00002; TOPMed 0.00002; ESP Exome Variant Server 0.00008.
gnomAD v4.1: 43 of 1,613,044 alleles (0.0027%); highest among the groups gnomAD compares: Non-Finnish European, 0.0034%; no homozygotes.

Submissions (2):

Labcorp Genetics (formerly Invitae), Labcorp
Classification: Likely benign for Primary ciliary dyskinesia. Last evaluated: 2025-01-13. Review status: criteria provided, single submitter. Criteria: Invitae Variant Classification Sherloc (09022015). Collection method: clinical testing. Allele origin: germline.

CeGaT Center for Human Genetics Tuebingen
Classification: Likely benign. Last evaluated: 2023-05-01. Review status: criteria provided, single submitter. Criteria: CeGaT Center For Human Genetics Tuebingen Variant Classification Criteria Version 2. Collection method: clinical testing. Allele origin: germline. Affected: yes. Observed: 1 variant allele.
Comment: RSPH1: BP4, BP7

NM_080860.4(RSPH1):c.192T>G (p.Gly64=)

Genes: RSPH1 (radial spoke head component 1; minus strand), LOC126653391 (CDK7 strongly-dependent group 2 enhancer GRCh37_chr21:43912470-43913669; plus strand). Cytogenetic location: 21q22.3.
Variant type: single nucleotide variant.
Coding change: c.192T>G on transcript NM_080860.4 (MANE Select); coding-DNA position 192, T replaced by G.
Protein change: p.Gly64=; no amino-acid change (glycine 64 retained).
Molecular consequence: synonymous variant.
Genome position (GRCh38, 1-based): chr21:42,492,840, A>C on the plus strand (T>G on the coding strand, the complement: RSPH1 is on the minus strand). VCF-style: chr21-42492840-A-C. GRCh37 (hg19) VCF-style: chr21-43912950-A-C.
Other names: c.78T>G, p.Gly26= (NM_001286506.2).
Identifiers: ClinVar variation 525520 (VCV000525520.32), dbSNP rs375454508, ClinGen allele CA10044022.